The following is an entry in ClinVar:

ClinVar aggregate classification (germline): Likely pathogenic (1 of 4 stars; one submission).

Conditions:
Autosomal recessive nonsyndromic hearing loss 3. Also called: NEUROSENSORY NONSYNDROMIC RECESSIVE DEAFNESS 3. Identifiers: Orphanet 90636, MedGen C1838263, MONDO:0010860, OMIM 600316.

Submission:

Institute of Rare Diseases, West China Hospital, Sichuan University
Classification: Likely pathogenic for Autosomal recessive nonsyndromic hearing loss 3. Last evaluated: 2025-01-09. Review status: criteria provided, single submitter. Criteria: ClinGen HL ACMG Specifications v1. Collection method: research. Allele origin: germline. Affected: yes.
Comment: PVS1;PM2_Supporting

NM_016239.4(MYO15A):c.9690+2T>A

Gene: MYO15A (myosin XVA; plus strand). Cytogenetic location: 17p11.2.
Variant type: single nucleotide variant.
Coding change: c.9690+2T>A on transcript NM_016239.4 (MANE Select); the canonical splice donor site of the intron after coding-DNA position 9690, T replaced by A.
Molecular consequence: splice donor variant.
Genome position (GRCh38, 1-based): chr17:18,163,323, T>A. VCF-style: chr17-18163323-T-A. GRCh37 (hg19) VCF-style: chr17-18066637-T-A.
Identifiers: ClinVar variation 3601427 (VCV003601427.1).